The following is an entry in ClinVar:

ClinVar aggregate classification (germline): Uncertain significance. Review status: criteria provided, multiple submitters, no conflicts (2 of 4 stars). 2 submissions from 2 submitters: Uncertain significance (2). Last evaluated 2026-05-27.

Conditions:
Cardiovascular phenotype. Identifiers: MedGen CN230736.
Hereditary cancer-predisposing syndrome. Also called: Tumor predisposition; Hereditary Cancer Syndrome; Hereditary neoplastic syndrome; Neoplastic Syndromes, Hereditary. Identifiers: Orphanet 140162, MedGen C0027672, MeSH D009386, MONDO:0015356.
Neurofibromatosis, type 1 (NF1). Also called: Neurofibromatosis, type I; VON RECKLINGHAUSEN DISEASE; NEUROFIBROMATOSIS, TYPE I, SOMATIC; Peripheral type neurofibromatosis. Identifiers: Orphanet 636, MedGen C0027831, MONDO:0018975, OMIM 162200. Disease mechanism: loss of function.

Submissions (2):

Ambry Genetics
Classification: Uncertain significance for Cardiovascular phenotype; Hereditary cancer-predisposing syndrome. Last evaluated: 2026-05-27. Review status: criteria provided, single submitter. Criteria: Ambry Variant Classification Scheme 2023. Collection method: clinical testing. Allele origin: germline.
Comment: The p.G520D variant (also known as c.1559G>A), located in coding exon 14 of the NF1 gene, results from a G to A substitution at nucleotide position 1559. The glycine at codon 520 is replaced by aspartic acid, an amino acid with similar properties. This amino acid position is conserved. In addition, this alteration is predicted to be tolerated by in silico analysis. Based on the available evidence, the clinical significance of this variant remains unclear.

Labcorp Genetics (formerly Invitae), Labcorp
Classification: Uncertain significance for Neurofibromatosis, type 1. Last evaluated: 2025-09-02. Review status: criteria provided, single submitter. Criteria: Invitae Variant Classification Sherloc (09022015). Collection method: clinical testing. Allele origin: germline.
Comment: This sequence change replaces glycine, which is neutral and non-polar, with aspartic acid, which is acidic and polar, at codon 520 of the NF1 protein (p.Gly520Asp). This variant is not present in population databases (gnomAD no frequency). This variant has not been reported in the literature in individuals affected with NF1-related conditions. ClinVar contains an entry for this variant (Variation ID: 2172699). Invitae Evidence Modeling of protein sequence and biophysical properties (such as structural, functional, and spatial information, amino acid conservation, physicochemical variation, residue mobility, and thermodynamic stability) indicates that this missense variant is not expected to disrupt NF1 protein function with a negative predictive value of 95%. In summary, the available evidence is currently insufficient to determine the role of this variant in disease. Therefore, it has been classified as a Variant of Uncertain Significance.

NM_001042492.3(NF1):c.1559G>A (p.Gly520Asp)

Gene: NF1 (neurofibromin 1; plus strand). Cytogenetic location: 17q11.2.
Variant type: single nucleotide variant.
Coding change: c.1559G>A on transcript NM_001042492.3 (MANE Select); coding-DNA position 1559, G replaced by A.
Protein change: p.Gly520Asp; replaces glycine 520 with aspartic acid.
Molecular consequence: missense variant.
Genome position (GRCh38, 1-based): chr17:31,219,036, G>A. VCF-style: chr17-31219036-G-A. GRCh37 (hg19) VCF-style: chr17-29546054-G-A.
Other names: c.1559G>A, p.Gly520Asp (NM_000267.4, NM_001128147.3); short protein forms G520D.
Identifiers: ClinVar variation 2172699 (VCV002172699.6), dbSNP rs2143986054, ClinGen allele CA399001878.
Genomic context (GRCh38, chr17:31,219,036, plus strand): 5'-TAATTGAAGTTTCCTTTTTTTCCTTGCAGAATCCAAGAAAACAGGGGCCCGAAACCCAAG[G>A]CAGTACAGCAGAATTAATTACAGGGCTCGTCCAACTGGTCCCTCAGTCACACATGCCAGA-3'
Protein context (NP_001035957.1, residues 510-530): NPRKQGPETQ[Gly520Asp]STAELITGLV